The following is an entry in ClinVar:

ClinVar aggregate classification (germline): Pathogenic (1 of 4 stars; one submission).

Conditions:
Early-infantile DEE. Also called: Ohtahara syndrome; Early infantile epileptic encephalopathy with suppression bursts; Early infantile epileptic encephalopathy. Identifiers: Orphanet 1934, MedGen C0393706, MONDO:0800491.

Submission:

Labcorp Genetics (formerly Invitae), Labcorp
Classification: Pathogenic for Early-infantile DEE. Last evaluated: 2019-05-10. Review status: criteria provided, single submitter. Criteria: Invitae Variant Classification Sherloc (09022015). Collection method: clinical testing. Allele origin: germline.
Comment: For these reasons, this variant has been classified as Pathogenic. Loss-of-function variants in SCN1A are known to be pathogenic (PMID: 17347258, 18930999). This variant has not been reported in the literature in individuals with SCN1A-related conditions. This variant is not present in population databases (ExAC no frequency). This sequence change creates a premature translational stop signal (p.Gly163Leufs*6) in the SCN1A gene. It is expected to result in an absent or disrupted protein product.

Literature cited by the submitters: PubMed 17347258; PubMed 18930999.

NM_001165963.4(SCN1A):c.487_496del (p.Gly163fs)

Gene: SCN1A (sodium voltage-gated channel alpha subunit 1; minus strand). Cytogenetic location: 2q24.3.
Variant type: Deletion.
Coding change: c.487_496del on transcript NM_001165963.4 (MANE Select); coding-DNA positions 487 to 496, 10 bases deleted (GGAATATATA; older notation c.487_496delGGAATATATA).
Protein change: p.Gly163fs; shifts the reading frame from glycine 163.
Molecular consequence: frameshift variant. On other transcripts: 5 prime UTR variant (1), non-coding transcript variant (1).
Genome position (GRCh38, 1-based): chr2:166,054,744-166,054,753, TATATATTCC deleted on the plus strand (GGAATATATA on the coding strand, the reverse complement: SCN1A is on the minus strand); deleting any 10 consecutive bases within chr2:166,054,744-166,054,754 gives the same sequence; the c. name uses the placement nearest the transcript's 3' end. VCF-style (leftmost placement, unchanged base first): chr2-166054743-GTATATATTCC-G. GRCh37 (hg19) VCF-style: chr2-166911253-GTATATATTCC-G.
Other names: c.487_496del, p.Gly163fs (NM_001165964.3, NM_001202435.3, NM_001353948.2 and 10 more transcripts); c.-1939_-1930del (NM_001353961.2); short protein forms G163fs.
Identifiers: ClinVar variation 840761 (VCV000840761.8), dbSNP rs1698958802, ClinGen allele CA916082245.